The following is an entry in ClinVar:

ClinVar aggregate classification (germline): Benign. Review status: criteria provided, multiple submitters, no conflicts (2 of 4 stars). 2 submissions from 2 submitters: Benign (2). Last evaluated 2018-01-13.

Conditions:
Qualitative or quantitative defects of beta-sarcoglycan. Identifiers: Orphanet 207063, MedGen C2930900, MONDO:0016142.

Allele frequency attached by ClinVar (database versions not stated): 1000 Genomes Project 0.35503; 1000 Genomes Project 30x 0.35509; TOPMed 0.43444; gnomAD 0.43461 and 0.43578.

Submissions (2):

Illumina Laboratory Services, Illumina
Classification: Benign for Qualitative or quantitative defects of beta-sarcoglycan. Last evaluated: 2018-01-13. Review status: criteria provided, single submitter. Criteria: ICSL Variant Classification Criteria 13 December 2019. Collection method: clinical testing. Allele origin: germline.
Comment: This variant was observed in the ICSL laboratory as part of a predisposition screen in an ostensibly healthy population. It had not been previously curated by ICSL or reported in the Human Gene Mutation Database (HGMD: prior to June 1st, 2018), and was therefore a candidate for classification through an automated scoring system. Utilizing variant allele frequency, disease prevalence and penetrance estimates, and inheritance mode, an automated score was calculated to assess if this variant is too frequent to cause the disease. Based on the score and internal cut-off values, a variant classified as benign is not then subjected to further curation. The score for this variant resulted in a classification of benign for this disease.

Breakthrough Genomics
Classification: Benign. Review status: criteria provided, single submitter. Criteria: ACMG Guidelines, 2015. Collection method: not provided. Allele origin: germline. Inheritance: Autosomal recessive inheritance. Affected: yes.

NM_000232.5(SGCB):c.*1624C>T

Gene: SGCB (sarcoglycan beta; minus strand). Cytogenetic location: 4q12.
Variant type: single nucleotide variant.
Coding change: c.*1624C>T on transcript NM_000232.5 (MANE Select); 1624 bases downstream of the stop codon, C replaced by T.
Molecular consequence: 3 prime UTR variant.
Genome position (GRCh38, 1-based): chr4:52,022,333, G>A on the plus strand (C>T on the coding strand, the complement: SGCB is on the minus strand). VCF-style: chr4-52022333-G-A. GRCh37 (hg19) VCF-style: chr4-52888499-G-A.
Identifiers: ClinVar variation 348864 (VCV000348864.7), dbSNP rs225163, ClinGen allele CA10617791.